The following is an entry in ClinVar:

NM_001256545.2(MEGF10):c.2789A>G (p.Tyr930Cys)

Gene: MEGF10 (multiple EGF like domains 10; plus strand). Cytogenetic location: 5q23.2.
Variant type: single nucleotide variant.
Coding change: c.2789A>G on transcript NM_001256545.2 (MANE Select); coding-DNA position 2789, A replaced by G.
Protein change: p.Tyr930Cys; replaces tyrosine 930 with cysteine.
Molecular consequence: missense variant.
Genome position (GRCh38, 1-based): chr5:127,447,617, A>G. VCF-style: chr5-127447617-A-G. GRCh37 (hg19) VCF-style: chr5-126783309-A-G.
Other names: c.2789A>G, p.Tyr930Cys (NM_032446.3); short protein forms Y930C.
Identifiers: ClinVar variation 851917 (VCV000851917.11), dbSNP rs1765997329, ClinGen allele CA360735174.

ClinVar aggregate classification (germline): Uncertain significance. Review status: criteria provided, multiple submitters, no conflicts (2 of 4 stars). 2 submissions from 2 submitters: Uncertain significance (2). Last evaluated 2023-11-10.

Conditions:
MEGF10-related myopathy (CMYO10A). Also called: Congenital myopathy 10A, severe variant. Identifiers: Orphanet 439212, MedGen C3280679, MONDO:0013731, OMIM 614399.
Congenital myopathy 10b, mild variant. Also called: Myopathy, areflexia, respiratory distress, and dysphagia, early-onset, mild variant. Identifiers: MedGen C3541476, MONDO:0859515, OMIM 620249.

Allele frequency attached by ClinVar (database versions not stated): gnomAD exomes below 0.00001; gnomAD 0.00001.
gnomAD v4.1: 2 of 1,613,976 alleles (0.00012%); no homozygotes.

Submissions (2):

Labcorp Genetics (formerly Invitae), Labcorp
Classification: Uncertain significance for MEGF10-related myopathy. Last evaluated: 2023-11-10. Review status: criteria provided, single submitter. Criteria: Invitae Variant Classification Sherloc (09022015). Collection method: clinical testing. Allele origin: germline.
Comment: This sequence change replaces tyrosine, which is neutral and polar, with cysteine, which is neutral and slightly polar, at codon 930 of the MEGF10 protein (p.Tyr930Cys). This variant is not present in population databases (gnomAD no frequency). This variant has not been reported in the literature in individuals affected with MEGF10-related conditions. ClinVar contains an entry for this variant (Variation ID: 851917). An algorithm developed to predict the effect of missense changes on protein structure and function (PolyPhen-2) suggests that this variant is likely to be disruptive. In summary, the available evidence is currently insufficient to determine the role of this variant in disease. Therefore, it has been classified as a Variant of Uncertain Significance.

Department of Pathology and Laboratory Medicine, Sinai Health System
Classification: Uncertain significance for MEGF10-related myopathy; Congenital myopathy 10b, mild variant. Last evaluated: 2023-03-11. Review status: criteria provided, single submitter. Criteria: ACMG Guidelines, 2015. Collection method: research. Allele origin: germline.